The following is an entry in ClinVar:

NM_000554.6(CRX):c.*2559G>C

Gene: CRX (cone-rod homeobox; plus strand). Cytogenetic location: 19q13.33.
Variant type: single nucleotide variant.
Coding change: c.*2559G>C on transcript NM_000554.6 (MANE Select); 2559 bases downstream of the stop codon, G replaced by C.
Molecular consequence: 3 prime UTR variant.
Genome position (GRCh38, 1-based): chr19:47,842,526, G>C. VCF-style: chr19-47842526-G-C. GRCh37 (hg19) VCF-style: chr19-48345783-G-C.
Identifiers: ClinVar variation 329765 (VCV000329765.6), dbSNP rs12463238, ClinGen allele CA10652171.

ClinVar aggregate classification (germline): Benign. Review status: criteria provided, multiple submitters, no conflicts (2 of 4 stars). 4 submissions from 2 submitters: Benign (4). Last evaluated 2018-01-13.

Conditions:
Leber congenital amaurosis 7 (LCA7). Identifiers: Orphanet 65, MedGen C3151192, MONDO:0013449, OMIM 613829.
Retinitis pigmentosa (RP). Identifiers: Orphanet 791, MedGen C0035334, MeSH D012174, MONDO:0019200, OMIM 268000. Inheritance: Autosomal dominant, autosomal recessive and X linked inheritance.
Cone-rod dystrophy 2 (CORD2). Also called: CONE-ROD RETINAL DYSTROPHY; Cone-rod retinal dystrophy 2. Identifiers: Orphanet 1872, MedGen C3489532, MONDO:0007362, OMIM 120970.

Allele frequency attached by ClinVar (database versions not stated): 1000 Genomes Project 0.23043; 1000 Genomes Project 30x 0.23157; TOPMed 0.30535; gnomAD 0.31096 and 0.31236.

Submissions (4):

Illumina Laboratory Services, Illumina
Classification: Benign for Retinitis pigmentosa. Last evaluated: 2018-01-13. Review status: criteria provided, single submitter. Criteria: ICSL Variant Classification Criteria 13 December 2019. Collection method: clinical testing. Allele origin: germline.
Comment: This variant was observed in the ICSL laboratory as part of a predisposition screen in an ostensibly healthy population. It had not been previously curated by ICSL or reported in the Human Gene Mutation Database (HGMD: prior to June 1st, 2018), and was therefore a candidate for classification through an automated scoring system. Utilizing variant allele frequency, disease prevalence and penetrance estimates, and inheritance mode, an automated score was calculated to assess if this variant is too frequent to cause the disease. Based on the score and internal cut-off values, a variant classified as benign is not then subjected to further curation. The score for this variant resulted in a classification of benign for this disease.

Illumina Laboratory Services, Illumina
Classification: Benign for Cone-rod dystrophy 2. Last evaluated: 2018-01-13. Review status: criteria provided, single submitter. Criteria: ICSL Variant Classification Criteria 13 December 2019. Collection method: clinical testing. Allele origin: germline.
Comment: the same text as in the submission from Illumina Laboratory Services, Illumina above.

Illumina Laboratory Services, Illumina
Classification: Benign for Leber congenital amaurosis 7. Last evaluated: 2018-01-13. Review status: criteria provided, single submitter. Criteria: ICSL Variant Classification Criteria 13 December 2019. Collection method: clinical testing. Allele origin: germline.
Comment: the same text as in the submission from Illumina Laboratory Services, Illumina above.

Breakthrough Genomics
Classification: Benign. Review status: criteria provided, single submitter. Criteria: ACMG Guidelines, 2015. Collection method: not provided. Allele origin: germline. Inheritance: Autosomal dominant inheritance. Affected: yes.